The following is an entry in ClinVar:

ClinVar aggregate classification (germline): Uncertain significance (1 of 4 stars; one submission).

Conditions:
Cranioectodermal dysplasia 2 (CED2). Identifiers: Orphanet 1515, MedGen C3150874, MONDO:0013323, OMIM 613610.

gnomAD v4.1: 1 of 1,613,274 alleles (0.000062%); highest among the groups gnomAD compares: East Asian, 0.0022%; no homozygotes.

Submission:

Neuberg Centre For Genomic Medicine, NCGM
Classification: Uncertain significance for Cranioectodermal dysplasia 2. Last evaluated: 2023-06-22. Review status: criteria provided, single submitter. Criteria: ACMG Guidelines, 2015. Collection method: clinical testing. Allele origin: germline. Inheritance: Autosomal recessive inheritance. Affected: yes.
Comment: The missense variant c.2813T>C (p.Leu938Pro) in the WDR35 gene has not been reported previously as a pathogenic variant nor as a benign variant, to our knowledge. This variant is reported with the allele frequency (0.0003%) in the gnomAD Exomes. The amino acid Leu at position 938 is changed to a Pro changing protein sequence and it might alter its composition and physico-chemical properties. Multiple lines of computational evidence (Polyphen - Damaging, SIFT - Damaging and MutationTaster - Disease causing) predict a damaging effect on protein structure and function for this variant. The amino acid change p.Leu938Pro in WDR35 is predicted as conserved by GERP++ and PhyloP across 100 vertebrates. For these reasons, this variant has been classified as Uncertain Significance

NM_020779.4(WDR35):c.2813T>C (p.Leu938Pro)

Gene: WDR35 (WD repeat domain 35; minus strand). Cytogenetic location: 2p24.1.
Variant type: single nucleotide variant.
Coding change: c.2813T>C on transcript NM_020779.4 (MANE Select); coding-DNA position 2813, T replaced by C.
Protein change: p.Leu938Pro; replaces leucine 938 with proline.
Molecular consequence: missense variant.
Genome position (GRCh38, 1-based): chr2:19,932,293, A>G on the plus strand (T>C on the coding strand, the complement: WDR35 is on the minus strand). VCF-style: chr2-19932293-A-G. GRCh37 (hg19) VCF-style: chr2-20132054-A-G.
Other names: c.2846T>C, p.Leu949Pro (NM_001006657.2); short protein forms L938P, L949P.
Identifiers: ClinVar variation 3731328 (VCV003731328.1).
Genomic context (GRCh38, chr2:19,932,293, plus strand): 5'-AAATATTGTGACTGGAACAAATCAACTATTCACCAAGATTTTTACATTACCTTAAACATC[A>G]GTTTAGCTGCATCAAAAAAGTAATTGGCTTTCCGATAGAGTTCTATGGCATCAAGAGTTT-3'
Protein context (NP_065830.2, residues 928-948): KANYFFDAAK[Leu938Pro]MFKIADEEAK